The following is an entry in ClinVar:

NM_000135.4(FANCA):c.872C>T (p.Thr291Ile)

Gene: FANCA (FA complementation group A; minus strand). Cytogenetic location: 16q24.3.
Variant type: single nucleotide variant.
Coding change: c.872C>T on transcript NM_000135.4 (MANE Select); coding-DNA position 872, C replaced by T.
Protein change: p.Thr291Ile; replaces threonine 291 with isoleucine.
Molecular consequence: missense variant.
Genome position (GRCh38, 1-based): chr16:89,799,187, G>A on the plus strand (C>T on the coding strand, the complement: FANCA is on the minus strand). VCF-style: chr16-89799187-G-A. GRCh37 (hg19) VCF-style: chr16-89865595-G-A.
Other names: c.872C>T, p.Thr291Ile (NM_001018112.3, NM_001286167.3); c.776C>T, p.Thr259Ile (NM_001351830.2); short protein forms T259I, T291I.
Identifiers: ClinVar variation 3512659 (VCV003512659.3).

ClinVar aggregate classification (germline): Uncertain significance. Review status: criteria provided, multiple submitters, no conflicts (2 of 4 stars). 2 submissions from 2 submitters: Uncertain significance (2). Last evaluated 2024-11-23.

Conditions:
Inborn genetic diseases. Identifiers: MedGen C0950123, MeSH D030342.
Fanconi anemia (FA). Also called: Fanconi's anemia. Identifiers: Orphanet 84, MedGen C0015625, MeSH D005199, MONDO:0019391.

gnomAD v4.1: 1 of 1,614,168 alleles (0.000062%); highest among the groups gnomAD compares: Non-Finnish European, 0.000085%; no homozygotes.

Submissions (2):

Ambry Genetics
Classification: Uncertain significance for Inborn genetic diseases. Last evaluated: 2024-11-23. Review status: criteria provided, single submitter. Criteria: Ambry Variant Classification Scheme 2023. Collection method: clinical testing. Allele origin: germline.
Comment: The p.T291I variant (also known as c.872C>T), located in coding exon 10 of the FANCA gene, results from a C to T substitution at nucleotide position 872. The threonine at codon 291 is replaced by isoleucine, an amino acid with similar properties. This amino acid position is conserved. In addition, this alteration is predicted to be tolerated by in silico analysis. Based on the available evidence, the clinical significance of this variant remains unclear.

Labcorp Genetics (formerly Invitae), Labcorp
Classification: Uncertain significance for Fanconi anemia. Last evaluated: 2024-04-08. Review status: criteria provided, single submitter. Criteria: Invitae Variant Classification Sherloc (09022015). Collection method: clinical testing. Allele origin: germline.
Comment: This sequence change replaces threonine, which is neutral and polar, with isoleucine, which is neutral and non-polar, at codon 291 of the FANCA protein (p.Thr291Ile). This variant is not present in population databases (gnomAD no frequency). This variant has not been reported in the literature in individuals affected with FANCA-related conditions. Advanced modeling of protein sequence and biophysical properties (such as structural, functional, and spatial information, amino acid conservation, physicochemical variation, residue mobility, and thermodynamic stability) performed at Invitae indicates that this missense variant is not expected to disrupt FANCA protein function with a negative predictive value of 80%. In summary, the available evidence is currently insufficient to determine the role of this variant in disease. Therefore, it has been classified as a Variant of Uncertain Significance.